The following is an entry in ClinVar:

ClinVar aggregate classification (germline): Uncertain significance (1 of 4 stars; one submission).

Conditions:
Arrhythmogenic right ventricular dysplasia 13. Also called: ARRHYTHMOGENIC RIGHT VENTRICULAR CARDIOMYOPATHY 13; Arrhythmogenic right ventricular dysplasia, familial, 13. Identifiers: MedGen C3810138, MONDO:0000908, OMIM 615616.

Allele frequency attached by ClinVar (database versions not stated): TOPMed below 0.00001; gnomAD 0.00001; gnomAD exomes 0.00001.
gnomAD v4.1: 8 of 1,613,466 alleles (0.0005%); highest among the groups gnomAD compares: Non-Finnish European, 0.00068%; no homozygotes.

Submission:

Labcorp Genetics (formerly Invitae), Labcorp
Classification: Uncertain significance for Arrhythmogenic right ventricular dysplasia 13. Last evaluated: 2021-09-21. Review status: criteria provided, single submitter. Criteria: Invitae Variant Classification Sherloc (09022015). Collection method: clinical testing. Allele origin: germline.
Comment: In summary, the available evidence is currently insufficient to determine the role of this variant in disease. Therefore, it has been classified as a Variant of Uncertain Significance. Algorithms developed to predict the effect of missense changes on protein structure and function are either unavailable or do not agree on the potential impact of this missense change (SIFT: "Tolerated"; PolyPhen-2: "Possibly Damaging"; Align-GVGD: "Class C0"). This variant has not been reported in the literature in individuals affected with CTNNA3-related conditions. This variant is not present in population databases (ExAC no frequency). This sequence change replaces alanine with serine at codon 105 of the CTNNA3 protein (p.Ala105Ser). The alanine residue is moderately conserved and there is a moderate physicochemical difference between alanine and serine.

NM_013266.4(CTNNA3):c.313G>T (p.Ala105Ser)

Gene: CTNNA3 (catenin alpha 3; minus strand). Cytogenetic location: 10q21.3.
Variant type: single nucleotide variant.
Coding change: c.313G>T on transcript NM_013266.4 (MANE Select); coding-DNA position 313, G replaced by T.
Protein change: p.Ala105Ser; replaces alanine 105 with serine.
Molecular consequence: missense variant.
Genome position (GRCh38, 1-based): chr10:67,539,649, C>A on the plus strand (G>T on the coding strand, the complement: CTNNA3 is on the minus strand). VCF-style: chr10-67539649-C-A. GRCh37 (hg19) VCF-style: chr10-69299407-C-A.
Other names: c.313G>T, p.Ala105Ser (NM_001127384.3); c.349G>T, p.Ala117Ser (NM_001291133.2); short protein forms A105S, A117S.
Identifiers: ClinVar variation 1503955 (VCV001503955.6), dbSNP rs1261483627, ClinGen allele CA377098011.